The following is an entry in ClinVar:

NM_000094.4(COL7A1):c.6217-2A>G

Gene: COL7A1 (collagen type VII alpha 1 chain; minus strand). Cytogenetic location: 3p21.31.
Variant type: single nucleotide variant.
Coding change: c.6217-2A>G on transcript NM_000094.4 (MANE Select); the canonical splice acceptor site of the intron before coding-DNA position 6217, A replaced by G.
Molecular consequence: splice acceptor variant.
Genome position (GRCh38, 1-based): chr3:48,575,128, T>C on the plus strand (A>G on the coding strand, the complement: COL7A1 is on the minus strand). VCF-style: chr3-48575128-T-C. GRCh37 (hg19) VCF-style: chr3-48612561-T-C.
Identifiers: ClinVar variation 2787941 (VCV002787941.5), dbSNP rs2044200545, ClinGen allele CA352662466.

ClinVar aggregate classification (germline): Likely pathogenic. Review status: criteria provided, multiple submitters, no conflicts (2 of 4 stars). 3 submissions from 3 submitters: Likely pathogenic (3). Last evaluated 2025-03-10.

Conditions:
COL7A1-related disorder. Also called: COL7A1- related disorders; COL7A1-related condition.
Recessive dystrophic epidermolysis bullosa (RDEB). Also called: epidermolysis bullosa dystrophica, autosomal recessive; DYSTROPHIC EPIDERMOLYSIS BULLOSA, AUTOSOMAL RECESSIVE; EPIDERMOLYSIS BULLOSA DYSTROPHICA, HALLOPEAU-SIEMENS TYPE; Recessive DEB (RDEB); EPIDERMOLYSIS BULLOSA DYSTROPHICA, GENERALIZED SEVERE, AUTOSOMAL RECESSIVE; severe generalized recessive dystrophic epidermolysis bullosa. Identifiers: Orphanet 79408, Orphanet 79409, MedGen C0079474, MONDO:0009179, OMIM 226600.

Submissions (3):

Myriad Genetics, Inc.
Classification: Likely pathogenic for Recessive dystrophic epidermolysis bullosa. Last evaluated: 2025-03-10. Review status: criteria provided, single submitter. Criteria: Myriad Autosomal Dominant, Autosomal Recessive and X-Linked Classification Criteria (2023). Collection method: clinical testing. Allele origin: unknown.
Comment: NM_000094.3(COL7A1):c.6217-2A>G is a variant in a canonical splice site classified as likely pathogenic in the context of dystrophic epidermolysis bullosa. c.6217-2A>G has been observed in a case with relevant disease (PMID: 36287101). Relevant functional assessments of this variant are not available in the literature. c.6217-2A>G has not been observed in referenced population frequency databases. In summary, NM_000094.3(COL7A1):c.6217-2A>G is a variant in a canonical splice site that has been observed more frequently in cases with the relevant disease than in healthy populations. Please note: this variant was assessed in the context of healthy population screening.

Labcorp Genetics (formerly Invitae), Labcorp
Classification: Likely pathogenic. Last evaluated: 2023-07-03. Review status: criteria provided, single submitter. Criteria: Invitae Variant Classification Sherloc (09022015). Collection method: clinical testing. Allele origin: germline.
Comment: This sequence change affects an acceptor splice site in intron 74 of the COL7A1 gene. It is expected to disrupt RNA splicing. Variants that disrupt the donor or acceptor splice site typically lead to a loss of protein function (PMID: 16199547), and loss-of-function variants in COL7A1 are known to be pathogenic (PMID: 16971478). This variant is not present in population databases (gnomAD no frequency). This variant has not been reported in the literature in individuals affected with COL7A1-related conditions. Algorithms developed to predict the effect of sequence changes on RNA splicing suggest that this variant may disrupt the consensus splice site. In summary, the currently available evidence indicates that the variant is pathogenic, but additional data are needed to prove that conclusively. Therefore, this variant has been classified as Likely Pathogenic.

Blueprint Genetics
Classification: Likely pathogenic for COL7A1-related disorders. Last evaluated: 2020-07-22. Review status: criteria provided, single submitter. Criteria: ACMG Guidelines, 2015. Collection method: clinical testing. Allele origin: germline. Affected: yes. Observed: 2 variant alleles.

Literature cited by the submitters: PubMed 36287101 (cited by Myriad Genetics, Inc.); PubMed 16199547 (cited by Labcorp Genetics (formerly Invitae), Labcorp); PubMed 16971478 (cited by Labcorp Genetics (formerly Invitae), Labcorp).